The following is an entry in ClinVar:

NM_006031.6(PCNT):c.6185C>T (p.Pro2062Leu)

Gene: PCNT (pericentrin; plus strand). Cytogenetic location: 21q22.3.
Variant type: single nucleotide variant.
Coding change: c.6185C>T on transcript NM_006031.6 (MANE Select); coding-DNA position 6185, C replaced by T.
Protein change: p.Pro2062Leu; replaces proline 2062 with leucine.
Molecular consequence: missense variant.
Genome position (GRCh38, 1-based): chr21:46,416,103, C>T. VCF-style: chr21-46416103-C-T. GRCh37 (hg19) VCF-style: chr21-47836017-C-T.
Other names: c.5831C>T, p.Pro1944Leu (NM_001315529.2); short protein forms P2062L, P1944L.
Identifiers: ClinVar variation 1030064 (VCV001030064.3), dbSNP rs376147151, ClinGen allele CA10080275.

ClinVar aggregate classification (germline): Uncertain significance. Review status: criteria provided, multiple submitters, no conflicts (2 of 4 stars). 3 submissions from 3 submitters: Uncertain significance (3). Last evaluated 2026-08-31.

Conditions:
PCNT-related disorder. Also called: PCNT-related condition.
Microcephalic osteodysplastic primordial dwarfism type II (MOPD2). Also called: MOPD II; Microcephalic osteodysplastic primordial dwarfism with tooth abnormalities; OSTEODYSPLASTIC PRIMORDIAL DWARFISM, TYPE II. Identifiers: Orphanet 2637, MedGen C0432246, MONDO:0008872, OMIM 210720.

Allele frequency attached by ClinVar (database versions not stated): gnomAD 0.00001; TOPMed 0.00002.
gnomAD v4.1: 12 of 1,613,976 alleles (0.00074%); highest among the groups gnomAD compares: African/African-American, 0.0053%; no homozygotes.

Submissions (3):

PreventionGenetics, part of Exact Sciences
Classification: Uncertain significance for PCNT-related condition. Last evaluated: 2026-08-31. Review status: criteria provided, single submitter. Criteria: ACMG Guidelines, 2015. Collection method: clinical testing. Allele origin: germline.
Comment: The PCNT c.6185C>T variant is predicted to result in the amino acid substitution p.Pro2062Leu. To our knowledge, this variant has not been reported in the literature. This variant is reported in 0.0040% of alleles in individuals of African descent in gnomAD (gnomad). At this time, the clinical significance of this variant is uncertain due to the absence of conclusive functional and genetic evidence.

Daryl Scott Lab, Baylor College of Medicine
Classification: Uncertain significance for Microcephalic osteodysplastic primordial dwarfism type II. Last evaluated: 2024-01-01. Review status: criteria provided, single submitter. Criteria: ACMG Guidelines, 2015. Collection method: clinical testing. Allele origin: biparental. Observed: 1 homozygote.
Comment: PM2

Baylor Genetics
Classification: Uncertain significance for Microcephalic osteodysplastic primordial dwarfism type II. Last evaluated: 2020-06-19. Review status: criteria provided, single submitter. Criteria: ACMG Guidelines, 2015. Collection method: clinical testing. Allele origin: unknown. Affected: yes.
Comment: This variant was determined to be of uncertain significance according to ACMG Guidelines, 2015 [PMID:25741868].